The following is an entry in ClinVar:

ClinVar aggregate classification (germline): Uncertain significance (1 of 4 stars; one submission).

Allele frequency attached by ClinVar (database versions not stated): gnomAD exomes below 0.00001 and 0.00002; gnomAD 0.00001; TOPMed 0.00001; ESP Exome Variant Server 0.00008.
gnomAD v4.1: 24 of 1,512,266 alleles (0.0016%); highest among the groups gnomAD compares: Non-Finnish European, 0.002%; no homozygotes.

Submission:

GeneDx
Classification: Uncertain significance. Last evaluated: 2017-04-06. Review status: criteria provided, single submitter. Criteria: GeneDx Variant Classification (06012015). Collection method: clinical testing. Allele origin: germline. Affected: yes.
Comment: The Y119C missense variant in the GTF2I gene has not been reported previously as a pathogenic variant, nor as a benign variant, to our knowledge. This variant is not observed in large population cohorts (Lek et al., 2016; 1000 Genomes Consortium et al., 2015; Exome Variant Server). The Y119C variant is a non-conservative amino acid substitution, which is likely to impact secondary protein structure as these residues differ in polarity, charge, size and/or other properties. This substitution occurs at a position that is conserved in mammals. In silico analysis predicts this variant is probably damaging to the protein structure/function. Based on currently available evidence, we interpret Y119C as a variant of uncertain significance.

NM_032999.4(GTF2I):c.356A>G (p.Tyr119Cys)

Genes: GTF2I (general transcription factor IIi; plus strand), GTF2I-AS1 (GTF2I antisense RNA 1; minus strand). Cytogenetic location: 7q11.23.
Variant type: single nucleotide variant.
Coding change: c.356A>G on transcript NM_032999.4 (MANE Select); coding-DNA position 356, A replaced by G.
Protein change: p.Tyr119Cys; replaces tyrosine 119 with cysteine.
Molecular consequence: missense variant.
Genome position (GRCh38, 1-based): chr7:74,699,078, A>G. VCF-style: chr7-74699078-A-G. GRCh37 (hg19) VCF-style: chr7-74113408-A-G.
Other names: c.356A>G, p.Tyr119Cys (NM_001163636.3, NM_001280800.2, NM_001518.5 and 2 more transcripts); short protein forms Y119C.
Identifiers: ClinVar variation 426713 (VCV000426713.2), dbSNP rs150259949, ClinGen allele CA160868703.
Genomic context (GRCh38, chr7:74,699,078, plus strand): 5'-CAAATCGGATGAGTGTAGATGCTGTAGAAATTGAAACACTCAGAAAAACAGTTGAGGACT[A>G]TTTCTGCTTTTGCTATGGTAAAAACAATAGATTTAATTTTTCTAAAAGATACATTATATA-3'
Protein context (NP_127492.1, residues 109-129): IETLRKTVED[Tyr119Cys]FCFCYGKALG